The following is an entry in ClinVar:

ClinVar aggregate classification (germline): Uncertain significance (1 of 4 stars; one submission).

Submission:

Labcorp Genetics (formerly Invitae), Labcorp
Classification: Uncertain significance. Last evaluated: 2024-12-18. Review status: criteria provided, single submitter. Criteria: Invitae Variant Classification Sherloc (09022015). Collection method: clinical testing. Allele origin: germline.
Comment: This sequence change creates a premature translational stop signal (p.Cys587*) in the ERBB2 gene. It is expected to result in an absent or disrupted protein product. However, the current clinical and genetic evidence is not sufficient to establish whether loss-of-function variants in ERBB2 cause disease. This variant is not present in population databases (gnomAD no frequency). This variant has not been reported in the literature in individuals affected with ERBB2-related conditions. In summary, the available evidence is currently insufficient to determine the role of this variant in disease. Therefore, it has been classified as a Variant of Uncertain Significance.

NM_004448.4(ERBB2):c.1761T>A (p.Cys587Ter)

Gene: ERBB2 (erb-b2 receptor tyrosine kinase 2; plus strand). Cytogenetic location: 17q12.
Variant type: single nucleotide variant.
Coding change: c.1761T>A on transcript NM_004448.4 (MANE Select); coding-DNA position 1761, T replaced by A.
Protein change: p.Cys587Ter; replaces cysteine 587 with a stop codon.
Molecular consequence: nonsense. On other transcripts: non-coding transcript variant (1), intron variant (1).
Genome position (GRCh38, 1-based): chr17:39,717,343, T>A. VCF-style: chr17-39717343-T-A. GRCh37 (hg19) VCF-style: chr17-37873596-T-A.
Other names: c.1878T>A, p.Cys626Ter (NM_001382784.1, NM_001382786.1); c.1863T>A, p.Cys621Ter (NM_001382785.1); c.1836T>A, p.Cys612Ter (NM_001382787.1); c.1791T>A, p.Cys597Ter (NM_001382788.1); c.1782T>A, p.Cys594Ter (NM_001382789.1); c.1758T>A, p.Cys586Ter (NM_001382790.1); c.1752T>A, p.Cys584Ter (NM_001382791.1); c.1761T>A, p.Cys587Ter (NM_001382792.1, NM_001382793.1, NM_001289937.2 and 9 more transcripts); and 6 more; short protein forms C311*, C527*, C597*, C621*, C557*, C587*, C584*, C586*.
Identifiers: ClinVar variation 3695072 (VCV003695072.2).